The following is an entry in ClinVar:

ClinVar aggregate classification (germline): Uncertain significance (1 of 4 stars; one submission).

Conditions:
Inborn genetic diseases. Identifiers: MedGen C0950123, MeSH D030342.

Allele frequency attached by ClinVar (database versions not stated): gnomAD exomes 0.00002; ExAC 0.00020.

Submission:

Ambry Genetics
Classification: Uncertain significance for Inborn genetic diseases. Last evaluated: 2021-07-08. Review status: criteria provided, single submitter. Criteria: Ambry Variant Classification Scheme 2023. Collection method: clinical testing. Allele origin: germline.
Comment: The c.85-8_85-6delCTT alteration is located in Intron 2 (E) of the METTL23 gene. This alteration consists of a deletion of 3 nucleotides at nucleotide position c.85-8 Intron 2 (E). Based on insufficient or conflicting evidence, the clinical significance of this alteration remains unclear.

NM_001080510.5(METTL23):c.85-8_85-6del

Gene: METTL23 (methyltransferase 23, arginine; plus strand). Cytogenetic location: 17q25.1.
Variant type: Deletion.
Coding change: c.85-8_85-6del on transcript NM_001080510.5 (MANE Select); 8 bases into the intron before coding-DNA position 85 through 6 bases into the intron before coding-DNA position 85, 3 bases deleted (CTT; older notation c.85-8_85-6delCTT).
Molecular consequence: intron variant.
Genome position (GRCh38, 1-based): chr17:76,732,970-76,732,972, CTT deleted. VCF-style (leftmost placement, unchanged base first): chr17-76732969-ACTT-A. GRCh37 (hg19) VCF-style: chr17-74729051-ACTT-A.
Other names: c.85-8_85-6del (NM_001378349.1, NM_001378348.1, NM_001206983.3 and 2 more transcripts); c.73-8_73-6del (NM_001378351.1, NM_001378353.1, NM_001378350.1 and 2 more transcripts); c.-117-8_-117-6del (NM_001206987.3, NM_001206986.3, NM_001206985.3 and 2 more transcripts).
Identifiers: ClinVar variation 2231674 (VCV002231674.2), dbSNP rs777505546, ClinGen allele CA8790061.